The following is an entry in ClinVar:

NM_002458.3(MUC5B):c.8586A>C (p.Pro2862=)

Genes: MUC5B-AS1 (MUC5B antisense RNA 1; minus strand), MUC5B (mucin 5B, oligomeric mucus/gel-forming; plus strand). Cytogenetic location: 11p15.5.
Variant type: single nucleotide variant.
Coding change: c.8586A>C on transcript NM_002458.3 (MANE Select); coding-DNA position 8586, A replaced by C.
Protein change: p.Pro2862=; no amino-acid change (proline 2862 retained).
Molecular consequence: synonymous variant.
Genome position (GRCh38, 1-based): chr11:1,245,466, A>C. VCF-style: chr11-1245466-A-C. GRCh37 (hg19) VCF-style: chr11-1266696-A-C.
Identifiers: ClinVar variation 403147 (VCV000403147.6), dbSNP rs4046509, ClinGen allele CA5806691.
Genomic context (GRCh38, chr11:1,245,466, plus strand): 5'-GGCCACACCCAGCAAGACCCGCACCTCGACCCTGCTGCCCAGCAGCCCCACATCGGCCCC[A>C]ATAACCACGGTGGTGACCATGGGCTGTGAGCCCCAGTGTGCCTGGTCAGAGTGGCTGGAC-3'
Protein context (NP_002449.2, residues 2852-2872): TLLPSSPTSA[Pro2862=]ITTVVTMGCE

ClinVar aggregate classification (germline): Benign. Review status: criteria provided, multiple submitters, no conflicts (2 of 4 stars). 3 submissions from 3 submitters: Benign (3). Last evaluated 2018-11-12.

Allele frequency attached by ClinVar (database versions not stated): gnomAD 0.15407; gnomAD exomes 0.17535 and 0.26595; ExAC 0.19788; 1000 Genomes Project 0.32149.

Submissions (3):

GeneDx
Classification: Benign. Last evaluated: 2018-11-12. Review status: criteria provided, single submitter. Criteria: GeneDx Variant Classification Process June 2021. Collection method: clinical testing. Allele origin: germline. Affected: yes.

Laboratory for Molecular Medicine, Mass General Brigham Personalized Medicine
Classification: Benign. Last evaluated: 2016-03-28. Review status: criteria provided, single submitter. Criteria: LMM Criteria. Collection method: clinical testing. Allele origin: germline.
Comment: Variant identified in a genome or exome case(s) and assessed due to predicted null impact of the variant or pathogenic assertions in the literature or databases. Disclaimer: This variant has not undergone full assessment. The following are preliminary notes: Frequency

Breakthrough Genomics
Classification: Benign. Review status: criteria provided, single submitter. Criteria: ACMG Guidelines, 2015. Collection method: not provided. Allele origin: germline. Inheritance: Autosomal dominant inheritance. Affected: yes.